The following is an entry in ClinVar:

ClinVar aggregate classification (germline): Uncertain significance (1 of 4 stars; one submission).

Submission:

GeneDx
Classification: Uncertain significance. Last evaluated: 2024-03-15. Review status: criteria provided, single submitter. Criteria: GeneDx Variant Classification Process June 2021. Collection method: clinical testing. Allele origin: germline. Affected: yes.
Comment: Not observed at significant frequency in large population cohorts (gnomAD); In silico analysis supports that this missense variant has a deleterious effect on protein structure/function; Has not been previously published as pathogenic or benign to our knowledge

NM_001134232.2(TMEM106B):c.256G>T (p.Asp86Tyr)

Gene: TMEM106B (transmembrane protein 106B; plus strand). Cytogenetic location: 7p21.3.
Variant type: single nucleotide variant.
Coding change: c.256G>T on transcript NM_001134232.2 (MANE Select); coding-DNA position 256, G replaced by T.
Protein change: p.Asp86Tyr; replaces aspartic acid 86 with tyrosine.
Molecular consequence: missense variant.
Genome position (GRCh38, 1-based): chr7:12,218,496, G>T. VCF-style: chr7-12218496-G-T. GRCh37 (hg19) VCF-style: chr7-12258122-G-T.
Other names: c.256G>T, p.Asp86Tyr (NM_018374.4); short protein forms D86Y.
Identifiers: ClinVar variation 3370830 (VCV003370830.1).
Genomic context (GRCh38, chr7:12,218,496, plus strand): 5'-AACTTACTTCTTTCACATTTAGGGCAAGAAAACCAACTGGTGGCATTGATTCCATATAGT[G>T]ATCAGAGATTAAGGCCAAGAAGAACGTAAGTGATTCTAAGAATATGGCAGTGTTTTATGT-3'
Protein context (NP_001127704.1, residues 76-96): NQLVALIPYS[Asp86Tyr]QRLRPRRTKL